The following is an entry in ClinVar:

ClinVar aggregate classification (germline): Uncertain significance (1 of 4 stars; one submission).

gnomAD v4.1: 16 of 151,926 alleles (0.011%); highest among the groups gnomAD compares: South Asian, 0.021%; no homozygotes.

Submission:

Greenwood Genetic Center Diagnostic Laboratories, Greenwood Genetic Center
Classification: Uncertain significance. Last evaluated: 2025-04-10. Review status: criteria provided, single submitter. Criteria: ACMG Guidelines, 2015. Collection method: clinical testing. Allele origin: germline. Affected: yes.
Comment: PM2, PM3_Supporting, BP4

NM_000083.3(CLCN1):c.853+2913C>T

Gene: CLCN1 (chloride voltage-gated channel 1; plus strand). Cytogenetic location: 7q34.
Variant type: single nucleotide variant.
Coding change: c.853+2913C>T on transcript NM_000083.3 (MANE Select); 2913 bases into the intron after coding-DNA position 853, C replaced by T.
Molecular consequence: intron variant.
Genome position (GRCh38, 1-based): chr7:143,327,405, C>T. VCF-style: chr7-143327405-C-T. GRCh37 (hg19) VCF-style: chr7-143024498-C-T.
Identifiers: ClinVar variation 4538340 (VCV004538340.1).